The following is an entry in ClinVar:

ClinVar aggregate classification (germline): Uncertain significance (1 of 4 stars; one submission).

Submission:

Labcorp Genetics (formerly Invitae), Labcorp
Classification: Uncertain significance. Last evaluated: 2024-03-11. Review status: criteria provided, single submitter. Criteria: Invitae Variant Classification Sherloc (09022015). Collection method: clinical testing. Allele origin: germline.
Comment: This sequence change replaces methionine, which is neutral and non-polar, with isoleucine, which is neutral and non-polar, at codon 539 of the CLTC protein (p.Met539Ile). This variant is not present in population databases (gnomAD no frequency). This variant has not been reported in the literature in individuals affected with CLTC-related conditions. ClinVar contains an entry for this variant (Variation ID: 2015292). Advanced modeling of protein sequence and biophysical properties (such as structural, functional, and spatial information, amino acid conservation, physicochemical variation, residue mobility, and thermodynamic stability) performed at Invitae indicates that this missense variant is not expected to disrupt CLTC protein function with a negative predictive value of 80%. In summary, the available evidence is currently insufficient to determine the role of this variant in disease. Therefore, it has been classified as a Variant of Uncertain Significance.

NM_004859.4(CLTC):c.1605G>A (p.Met535Ile)

Gene: CLTC (clathrin heavy chain; plus strand). Cytogenetic location: 17q23.1.
Variant type: single nucleotide variant.
Coding change: c.1605G>A on transcript NM_004859.4 (MANE Select); coding-DNA position 1605, G replaced by A.
Protein change: p.Met535Ile; replaces methionine 535 with isoleucine.
Molecular consequence: missense variant.
Genome position (GRCh38, 1-based): chr17:59,664,870, G>A. VCF-style: chr17-59664870-G-A. GRCh37 (hg19) VCF-style: chr17-57742231-G-A.
Other names: c.1617G>A, p.Met539Ile (NM_001288653.2); short protein forms M535I, M539I.
Identifiers: ClinVar variation 2015292 (VCV002015292.4), dbSNP rs375430840, ClinGen allele CA400426884.